The following is an entry in ClinVar:

NM_000138.5(FBN1):c.2648G>A (p.Trp883Ter)

Gene: FBN1 (fibrillin 1; minus strand). Cytogenetic location: 15q21.1.
Variant type: single nucleotide variant.
Coding change: c.2648G>A on transcript NM_000138.5 (MANE Select); coding-DNA position 2648, G replaced by A.
Protein change: p.Trp883Ter; replaces tryptophan 883 with a stop codon.
Molecular consequence: nonsense.
Genome position (GRCh38, 1-based): chr15:48,495,152, C>T on the plus strand (G>A on the coding strand, the complement: FBN1 is on the minus strand). VCF-style: chr15-48495152-C-T. GRCh37 (hg19) VCF-style: chr15-48787349-C-T.
Other names: short protein forms W883*.
Identifiers: ClinVar variation 1075771 (VCV001075771.9), dbSNP rs2141303557, ClinGen allele CA392332139.

ClinVar aggregate classification (germline): Pathogenic (1 of 4 stars; one submission).

Conditions:
Familial thoracic aortic aneurysm and aortic dissection (TAAD). Also called: Thoracic aortic aneurysms and dissections. Identifiers: Orphanet 91387, MedGen C4707243, MONDO:0019625.
Marfan syndrome (MFS). Also called: Marfan syndrome type 1; Marfan's syndrome; Marfan syndrome, classic; MARFAN SYNDROME, TYPE I; FBN1-Related Marfan Syndrome. Identifiers: Orphanet 284963, Orphanet 558, MedGen C0024796, MONDO:0007947, OMIM 154700.

Submission:

Labcorp Genetics (formerly Invitae), Labcorp
Classification: Pathogenic for Marfan syndrome; Familial thoracic aortic aneurysm and aortic dissection. Last evaluated: 2024-10-31. Review status: criteria provided, single submitter. Criteria: Invitae Variant Classification Sherloc (09022015). Collection method: clinical testing. Allele origin: germline.
Comment: This sequence change creates a premature translational stop signal (p.Trp883*) in the FBN1 gene. It is expected to result in an absent or disrupted protein product. Loss-of-function variants in FBN1 are known to be pathogenic (PMID: 17657824, 19293843). This variant is not present in population databases (gnomAD no frequency). This premature translational stop signal has been observed in individual(s) with Marfan syndrome (PMID: 27906200). ClinVar contains an entry for this variant (Variation ID: 1075771). For these reasons, this variant has been classified as Pathogenic.

Literature cited by the submitters: PubMed 17657824; PubMed 19293843; PubMed 27906200.